The following is an entry in ClinVar:

NM_002439.5(MSH3):c.1828C>G (p.Gln610Glu)

Gene: MSH3 (mutS homolog 3; plus strand). Cytogenetic location: 5q14.1.
Variant type: single nucleotide variant.
Coding change: c.1828C>G on transcript NM_002439.5 (MANE Select); coding-DNA position 1828, C replaced by G.
Protein change: p.Gln610Glu; replaces glutamine 610 with glutamic acid.
Molecular consequence: missense variant.
Genome position (GRCh38, 1-based): chr5:80,761,610, C>G. VCF-style: chr5-80761610-C-G. GRCh37 (hg19) VCF-style: chr5-80057429-C-G.
Other names: short protein forms Q610E.
Identifiers: ClinVar variation 3239768 (VCV003239768.2), dbSNP rs1360794165.

ClinVar aggregate classification (germline): Uncertain significance. Review status: criteria provided, multiple submitters, no conflicts (2 of 4 stars). 2 submissions from 2 submitters: Uncertain significance (2). Last evaluated 2025-12-11.

Conditions:
Endometrial carcinoma. Also called: Endometrial carcinoma, somatic. Identifiers: MedGen C0476089, MONDO:0002447, OMIM 608089, HP:0012114.

gnomAD v4.1: 1 of 1,613,910 alleles (0.000062%); highest among the groups gnomAD compares: South Asian, 0.0011%; no homozygotes.

Submissions (2):

Labcorp Genetics (formerly Invitae), Labcorp
Classification: Uncertain significance. Last evaluated: 2025-12-11. Review status: criteria provided, single submitter. Criteria: Invitae Variant Classification Sherloc (09022015). Collection method: clinical testing. Allele origin: germline.
Comment: This sequence change replaces glutamine, which is neutral and polar, with glutamic acid, which is acidic and polar, at codon 610 of the MSH3 protein (p.Gln610Glu). This variant is present in population databases (no rsID available, gnomAD 0.003%). This variant has not been reported in the literature in individuals affected with MSH3-related conditions. ClinVar contains an entry for this variant (Variation ID: 3239768). An algorithm developed to predict the effect of missense changes on protein structure and function (PolyPhen-2) suggests that this variant is likely to be tolerated. In summary, the available evidence is currently insufficient to determine the role of this variant in disease. Therefore, it has been classified as a Variant of Uncertain Significance.

Baylor Genetics
Classification: Uncertain significance for Endometrial carcinoma. Last evaluated: 2024-02-20. Review status: criteria provided, single submitter. Criteria: ACMG Guidelines, 2015. Collection method: clinical testing. Allele origin: unknown.